The following is an entry in ClinVar:

NM_001148.6(ANK2):c.6701A>C (p.Glu2234Ala)

Gene: ANK2 (ankyrin 2; plus strand). Cytogenetic location: 4q26.
Variant type: single nucleotide variant.
Coding change: c.6701A>C on transcript NM_001148.6 (MANE Select); coding-DNA position 6701, A replaced by C.
Protein change: p.Glu2234Ala; replaces glutamic acid 2234 with alanine.
Molecular consequence: missense variant. On other transcripts: intron variant (68).
Genome position (GRCh38, 1-based): chr4:113,355,319, A>C. VCF-style: chr4-113355319-A-C. GRCh37 (hg19) VCF-style: chr4-114276475-A-C.
Other names: c.6467A>C, p.Glu2156Ala (NM_001386142.1); c.3101A>C, p.Glu1034Ala (NM_001386166.1); c.6842A>C, p.Glu2281Ala (NM_001386174.1); c.6818A>C, p.Glu2273Ala (NM_001386175.1); c.4411+5070A>C (NM_001386186.2, NM_001386148.2); c.4213+5070A>C (NM_001354269.3); c.4291+5070A>C (NM_001386187.2); c.4252+5070A>C (NM_001386147.1); and 35 more; short protein forms E2234A, E2273A, E2156A, E1034A, E2281A.
Identifiers: ClinVar variation 3656926 (VCV003656926.2).

ClinVar aggregate classification (germline): Uncertain significance (1 of 4 stars; one submission).

Conditions:
Long QT syndrome (LQTS). Identifiers: MedGen C0023976, MeSH D008133, MONDO:0002442. Disease mechanism: loss of function. Inheritance: Various modes of inheritance.

Submission:

Labcorp Genetics (formerly Invitae), Labcorp
Classification: Uncertain significance for Long QT syndrome. Last evaluated: 2024-06-18. Review status: criteria provided, single submitter. Criteria: Invitae Variant Classification Sherloc (09022015). Collection method: clinical testing. Allele origin: germline.
Comment: This sequence change replaces glutamic acid, which is acidic and polar, with alanine, which is neutral and non-polar, at codon 2234 of the ANK2 protein (p.Glu2234Ala). This variant is not present in population databases (gnomAD no frequency). This variant has not been reported in the literature in individuals affected with ANK2-related conditions. An algorithm developed to predict the effect of missense changes on protein structure and function (PolyPhen-2) suggests that this variant is likely to be disruptive. In summary, the available evidence is currently insufficient to determine the role of this variant in disease. Therefore, it has been classified as a Variant of Uncertain Significance.